The following is an entry in ClinVar:

ClinVar aggregate classification (germline): Uncertain significance (1 of 4 stars; one submission).

Conditions:
Multiple endocrine neoplasia, type 1 (MEN1). Also called: Endocrine adenomatosis multiple; MEN 1; MEA I; MEN I; WERMER SYNDROME. Identifiers: Orphanet 652, MedGen C0025267, MeSH D018761, MONDO:0007540, OMIM 131100.

Submission:

Labcorp Genetics (formerly Invitae), Labcorp
Classification: Uncertain significance for Multiple endocrine neoplasia, type 1. Last evaluated: 2022-02-05. Review status: criteria provided, single submitter. Criteria: Invitae Variant Classification Sherloc (09022015). Collection method: clinical testing. Allele origin: germline.
Comment: This sequence change replaces lysine, which is basic and polar, with glutamic acid, which is acidic and polar, at codon 569 of the MEN1 protein (p.Lys569Glu). This variant is not present in population databases (gnomAD no frequency). This variant has not been reported in the literature in individuals affected with MEN1-related conditions. Advanced modeling of protein sequence and biophysical properties (such as structural, functional, and spatial information, amino acid conservation, physicochemical variation, residue mobility, and thermodynamic stability) performed at Invitae indicates that this missense variant is expected to disrupt MEN1 protein function. In summary, the available evidence is currently insufficient to determine the role of this variant in disease. Therefore, it has been classified as a Variant of Uncertain Significance.

NM_001370259.2(MEN1):c.1705A>G (p.Lys569Glu)

Gene: MEN1 (menin 1; minus strand). Cytogenetic location: 11q13.1.
Variant type: single nucleotide variant.
Coding change: c.1705A>G on transcript NM_001370259.2 (MANE Select); coding-DNA position 1705, A replaced by G.
Protein change: p.Lys569Glu; replaces lysine 569 with glutamic acid.
Molecular consequence: missense variant.
Genome position (GRCh38, 1-based): chr11:64,804,462, T>C on the plus strand (A>G on the coding strand, the complement: MEN1 is on the minus strand). VCF-style: chr11-64804462-T-C. GRCh37 (hg19) VCF-style: chr11-64571934-T-C.
Other names: c.1600A>G, p.Lys534Glu (NM_001370263.2, NM_001407148.1, NM_001407149.1 and 1 more transcripts); c.1831A>G, p.Lys611Glu (NM_001407142.1, NM_001407143.1, NM_001407144.1 and 1 more transcripts); c.1720A>G, p.Lys574Glu (NM_001407145.1, NM_130800.3, NM_130801.3 and 4 more transcripts); c.1705A>G, p.Lys569Glu (NM_001407146.1, NM_001407147.1, NM_130799.3 and 2 more transcripts); c.1846A>G, p.Lys616Glu (NM_001407150.1); c.1726A>G, p.Lys576Glu (NM_001407151.1); c.1540A>G, p.Lys514Glu (NM_001407152.1); short protein forms K534E, K616E, K514E, K611E, K576E, K569E, K574E.
Identifiers: ClinVar variation 2093340 (VCV002093340.4), dbSNP rs2497104491, ClinGen allele CA381177628.
Genomic context (GRCh38, chr11:64,804,462, plus strand): 5'-TCTTCATCTGCACTTGCGACTGTGCCGTGAGTTGCAGCTTGATGGCGCTCGAGTTGATCT[T>C]GGTGGCCACCAGCAGCTCCTTCATGCCCTTCATCTTCTCACTCTGGAAAGTGAGCACTGG-3'
Protein context (NP_001357188.2, residues 559-579): KGMKELLVAT[Lys569Glu]INSSAIKLQL